The following is an entry in ClinVar:

NM_000094.4(COL7A1):c.7127del (p.Pro2376fs)

Gene: COL7A1 (collagen type VII alpha 1 chain; minus strand). Cytogenetic location: 3p21.31.
Variant type: Deletion.
Coding change: c.7127del on transcript NM_000094.4 (MANE Select); coding-DNA position 7127, one base deleted (C; older notation c.7127delC).
Protein change: p.Pro2376fs; shifts the reading frame from proline 2376.
Molecular consequence: frameshift variant.
Genome position (GRCh38, 1-based): chr3:48,571,138, G deleted on the plus strand (C on the coding strand, the reverse complement: COL7A1 is on the minus strand); the first of 3 consecutive G bases (chr3:48,571,138-48,571,140); deleting any one gives the same sequence. VCF-style (leftmost placement, unchanged base first): chr3-48571137-CG-C. GRCh37 (hg19) VCF-style: chr3-48608570-CG-C.
Other names: short protein forms P2376fs.
Identifiers: ClinVar variation 2012947 (VCV002012947.4), dbSNP rs2530876523, ClinGen allele CA2580069912.

ClinVar aggregate classification (germline): Pathogenic (1 of 4 stars; one submission).

Submission:

Labcorp Genetics (formerly Invitae), Labcorp
Classification: Pathogenic. Last evaluated: 2022-07-13. Review status: criteria provided, single submitter. Criteria: Invitae Variant Classification Sherloc (09022015). Collection method: clinical testing. Allele origin: germline.
Comment: This variant is not present in population databases (gnomAD no frequency). This sequence change creates a premature translational stop signal (p.Pro2376Argfs*12) in the COL7A1 gene. It is expected to result in an absent or disrupted protein product. Loss-of-function variants in COL7A1 are known to be pathogenic (PMID: 16971478). This variant has not been reported in the literature in individuals affected with COL7A1-related conditions. For these reasons, this variant has been classified as Pathogenic.

Literature cited by the submitters: PubMed 16971478.